The following is an entry in ClinVar:

NC_000017.10:g.(?_68171181)_(70120528_?)del

Genes: KCNJ2 (potassium inwardly rectifying channel subfamily J member 2; plus strand), SOX9 (SRY-box transcription factor 9; plus strand). Cytogenetic location: 17q24.3.
Variant type: Deletion.
Identifiers: ClinVar variation 3243057 (VCV003243057.1).

ClinVar aggregate classification (germline): Pathogenic (1 of 4 stars; one submission).

Conditions:
Camptomelic dysplasia (CMPD). Also called: CMPD1/SRA1; Campomelic Dysplasia. Identifiers: Orphanet 140, MedGen C1861922, MONDO:0007251, OMIM 114290.

Submission:

Labcorp Genetics (formerly Invitae), Labcorp
Classification: Pathogenic for Camptomelic dysplasia. Last evaluated: 2023-10-09. Review status: criteria provided, single submitter. Criteria: Invitae Variant Classification Sherloc (09022015). Collection method: clinical testing. Allele origin: unknown.
Comment: A gross deletion of the genomic region encompassing the full coding sequence of the SOX9 gene has been identified. Loss-of-function variants in SOX9 are known to be pathogenic (PMID: 9002675, 11371614, 25983619). The boundaries of this event are unknown as they extend beyond the assayed region for this gene and therefore may encompass additional genes. A similar copy number variant has been observed in individual(s) with campomelic dysplasia (PMID: 10213041, 15060123). For these reasons, this variant has been classified as Pathogenic.

Literature cited by the submitters: PubMed 9002675; PubMed 11371614; PubMed 25983619; PubMed 10213041; PubMed 15060123.